The following is an entry in ClinVar:

NM_145045.5(ODAD3):c.526A>G (p.Arg176Gly)

Gene: ODAD3 (outer dynein arm docking complex subunit 3; minus strand). Cytogenetic location: 19p13.2.
Variant type: single nucleotide variant.
Coding change: c.526A>G on transcript NM_145045.5 (MANE Select); coding-DNA position 526, A replaced by G.
Protein change: p.Arg176Gly; replaces arginine 176 with glycine.
Molecular consequence: missense variant.
Genome position (GRCh38, 1-based): chr19:11,426,959, T>C on the plus strand (A>G on the coding strand, the complement: ODAD3 is on the minus strand). VCF-style: chr19-11426959-T-C. GRCh37 (hg19) VCF-style: chr19-11537779-T-C.
Other names: c.364A>G, p.Arg122Gly (NM_001302453.1); c.448A>G, p.Arg150Gly (NM_001302454.2); short protein forms R176G, R122G, R150G.
Identifiers: ClinVar variation 477984 (VCV000477984.10), dbSNP rs143287033, ClinGen allele CA9212373.

ClinVar aggregate classification (germline): Uncertain significance. Review status: criteria provided, multiple submitters, no conflicts (2 of 4 stars). 4 submissions from 4 submitters: Uncertain significance (4). Last evaluated 2025-01-06.

Conditions:
Inborn genetic diseases. Identifiers: MedGen C0950123, MeSH D030342.
Primary ciliary dyskinesia 30. Also called: CILIARY DYSKINESIA, PRIMARY, 30, WITH OR WITHOUT SITUS INVERSUS. Identifiers: Orphanet 244, MedGen C4015016, MONDO:0014465, OMIM 616037.

Allele frequency attached by ClinVar (database versions not stated): ExAC 0.00023; ESP Exome Variant Server 0.00024; gnomAD 0.00029; 1000 Genomes Project 30x 0.00031; gnomAD exomes 0.00033; TOPMed 0.00038; 1000 Genomes Project 0.00040.

Submissions (4):

Labcorp Genetics (formerly Invitae), Labcorp
Classification: Uncertain significance for Primary ciliary dyskinesia 30. Last evaluated: 2025-01-06. Review status: criteria provided, single submitter. Criteria: Invitae Variant Classification Sherloc (09022015). Collection method: clinical testing. Allele origin: germline.
Comment: This sequence change replaces arginine, which is basic and polar, with glycine, which is neutral and non-polar, at codon 176 of the CCDC151 protein (p.Arg176Gly). This variant is present in population databases (rs143287033, gnomAD 0.1%), including at least one homozygous and/or hemizygous individual. This variant has not been reported in the literature in individuals affected with CCDC151-related conditions. ClinVar contains an entry for this variant (Variation ID: 477984). An algorithm developed to predict the effect of missense changes on protein structure and function (PolyPhen-2) suggests that this variant¬†is likely to be tolerated. In summary, the available evidence is currently insufficient to determine the role of this variant in disease. Therefore, it has been classified as a Variant of Uncertain Significance.

Ambry Genetics
Classification: Uncertain significance for Inborn genetic diseases. Last evaluated: 2023-02-23. Review status: criteria provided, single submitter. Criteria: Ambry Variant Classification Scheme 2023. Collection method: clinical testing. Allele origin: germline.

Baylor Genetics
Classification: Uncertain significance for Primary ciliary dyskinesia 30. Last evaluated: 2019-09-06. Review status: criteria provided, single submitter. Criteria: ACMG Guidelines, 2015. Collection method: clinical testing. Allele origin: unknown. Affected: yes.
Comment: This variant was determined to be of uncertain significance according to ACMG Guidelines, 2015 [PMID:25741868].

Breakthrough Genomics
Classification: Uncertain significance. Review status: criteria provided, single submitter. Criteria: ACMG Guidelines, 2015. Collection method: not provided. Allele origin: germline. Inheritance: Autosomal recessive inheritance. Affected: yes.